The following is an entry in ClinVar:

ClinVar aggregate classification (germline): Pathogenic/Likely pathogenic. Review status: criteria provided, multiple submitters, no conflicts (2 of 4 stars). 2 submissions from 2 submitters: Pathogenic (1); Likely pathogenic (1). Last evaluated 2022-09-02.

Conditions:
Drash syndrome (DDS). Also called: WILMS TUMOR AND PSEUDO- OR TRUE HERMAPHRODITISM; NEPHROPATHY, WILMS TUMOR, AND GENITAL ANOMALIES. Identifiers: Orphanet 220, MedGen C0950121, MONDO:0008682, OMIM 194080.
Frasier syndrome. Identifiers: Orphanet 347, MedGen C0950122, MeSH D052159, MONDO:0007635, OMIM 136680.
Wilms tumor 1 (WT1). Also called: Wilms tumor, somatic. Identifiers: Orphanet 654, MedGen CN033288, MONDO:0008679, OMIM 194070.
11p partial monosomy syndrome (WAGR). Also called: WAGR syndrome; WAGR Complex; WAGR Spectrum Disorder; CHROMOSOME 11p13 DELETION SYNDROME. Identifiers: Orphanet 893, MedGen C0206115, MONDO:0008681, OMIM 194072.
WT1-related disorder. Also called: WT1-related disorders. Identifiers: MedGen CN377814.

Submissions (2):

Blueprint Genetics
Classification: Likely pathogenic for WT1-related disorders. Last evaluated: 2022-09-02. Review status: criteria provided, single submitter. Criteria: ACMG Guidelines, 2015. Collection method: clinical testing. Allele origin: germline. Affected: yes. Observed: 1 variant allele.

Labcorp Genetics (formerly Invitae), Labcorp
Classification: Pathogenic for Wilms tumor 1; Drash syndrome; 11p partial monosomy syndrome; Frasier syndrome. Last evaluated: 2019-06-13. Review status: criteria provided, single submitter. Criteria: Invitae Variant Classification Sherloc (09022015). Collection method: clinical testing. Allele origin: germline.
Comment: This sequence change creates a premature translational stop signal (p.Gln155*) in the WT1 gene. It is expected to result in an absent or disrupted protein product. This variant is not present in population databases (ExAC no frequency). This variant has not been reported in the literature in individuals with WT1-related conditions. ClinVar contains an entry for this variant (Variation ID: 543125). Loss-of-function variants in WT1 are known to be pathogenic (PMID: 15150775). For these reasons, this variant has been classified as Pathogenic.

Literature cited by the submitters: PubMed 15150775 (cited by Labcorp Genetics (formerly Invitae), Labcorp).

NM_024426.6(WT1):c.478C>T (p.Gln160Ter)

Genes: WT1 (WT1 transcription factor; minus strand), LOC107982234 (WT1/WT1-AS bi-directional promoter region; plus strand). Cytogenetic location: 11p13.
Variant type: single nucleotide variant.
Coding change: c.478C>T on transcript NM_024426.6 (MANE Select); coding-DNA position 478, C replaced by T.
Protein change: p.Gln160Ter; replaces glutamine 160 with a stop codon.
Molecular consequence: nonsense. On other transcripts: non-coding transcript variant (1).
Genome position (GRCh38, 1-based): chr11:32,434,883, G>A on the plus strand (C>T on the coding strand, the complement: WT1 is on the minus strand). VCF-style: chr11-32434883-G-A. GRCh37 (hg19) VCF-style: chr11-32456429-G-A.
Other names: c.478C>T, p.Gln160Ter (NM_000378.6, NM_024424.5); short protein forms Q160*.
Identifiers: ClinVar variation 543125 (VCV000543125.10), dbSNP rs1554946500, ClinGen allele CA379964944.